The following is an entry in ClinVar:

NC_000017.11:g.58219481G>T

Gene: MKS1 (MKS transition zone complex subunit 1; minus strand). Cytogenetic location: 17q22.
Variant type: single nucleotide variant.
Genome position: GRCh38 VCF-style: chr17-58219481-G-T. GRCh37 (hg19) VCF-style: chr17-56296842-G-T.
Other names: NM_001165927.1:c.31C>A.
Identifiers: ClinVar variation 3059459 (VCV003059459.3), dbSNP rs144407017, ClinGen allele CA8669685.

ClinVar aggregate classification (germline): Uncertain significance. Review status: criteria provided, single submitter (1 of 4 stars). 2 submissions from 2 submitters: Uncertain significance (1). 1 of the submissions does not count toward it. Last evaluated 2023-08-11.

Conditions:
MKS1-related disorder. Also called: MKS1-related disorders; MKS1-related condition. Identifiers: MedGen CN239382.

Allele frequency attached by ClinVar (database versions not stated): ExAC 0.00030; gnomAD 0.00056; TOPMed 0.00057; 1000 Genomes Project 30x 0.00062; 1000 Genomes Project 0.00080; ESP Exome Variant Server 0.00088.

Submissions (2):

GeneDx
Classification: Uncertain significance. Last evaluated: 2023-08-11. Review status: criteria provided, single submitter. Criteria: GeneDx Variant Classification Process June 2021. Collection method: clinical testing. Allele origin: germline. Affected: yes.
Comment: In silico analysis supports that this missense variant does not alter protein structure/function; Has not been previously published as pathogenic or benign to our knowledge; Reported using an alternate transcript of the gene

PreventionGenetics, part of Exact Sciences
Classification: Likely benign for MKS1-related condition. Last evaluated: 2021-07-26. Review status: no assertion criteria provided. Collection method: clinical testing. Allele origin: germline. Not counted in ClinVar's aggregate classification.
Comment: This variant is classified as likely benign based on ACMG/AMP sequence variant interpretation guidelines (Richards et al. 2015 PMID: 25741868, with internal and published modifications).